The following is an entry in ClinVar:

ClinVar aggregate classification (germline): Uncertain significance (1 of 4 stars; one submission).

Conditions:
Long QT syndrome (LQTS). Identifiers: MedGen C0023976, MeSH D008133, MONDO:0002442. Disease mechanism: loss of function. Inheritance: Various modes of inheritance.

gnomAD v4.1: 1 of 1,613,320 alleles (0.000062%); highest among the groups gnomAD compares: South Asian, 0.0011%; no homozygotes.

Submission:

Labcorp Genetics (formerly Invitae), Labcorp
Classification: Uncertain significance for Long QT syndrome. Last evaluated: 2024-07-22. Review status: criteria provided, single submitter. Criteria: Invitae Variant Classification Sherloc (09022015). Collection method: clinical testing. Allele origin: germline.
Comment: This sequence change replaces glutamic acid, which is acidic and polar, with lysine, which is basic and polar, at codon 3596 of the ANK2 protein (p.Glu3596Lys). This variant is not present in population databases (gnomAD no frequency). This variant has not been reported in the literature in individuals affected with ANK2-related conditions. Advanced modeling of protein sequence and biophysical properties (such as structural, functional, and spatial information, amino acid conservation, physicochemical variation, residue mobility, and thermodynamic stability) has been performed at Invitae for this missense variant, however the output from this modeling did not meet the statistical confidence thresholds required to predict the impact of this variant on ANK2 protein function. In summary, the available evidence is currently insufficient to determine the role of this variant in disease. Therefore, it has been classified as a Variant of Uncertain Significance.

NM_001148.6(ANK2):c.10786G>A (p.Glu3596Lys)

Gene: ANK2 (ankyrin 2; plus strand). Cytogenetic location: 4q26.
Variant type: single nucleotide variant.
Coding change: c.10786G>A on transcript NM_001148.6 (MANE Select); coding-DNA position 10786, G replaced by A.
Protein change: p.Glu3596Lys; replaces glutamic acid 3596 with lysine.
Molecular consequence: missense variant.
Genome position (GRCh38, 1-based): chr4:113,363,367, G>A. VCF-style: chr4-113363367-G-A. GRCh37 (hg19) VCF-style: chr4-114284523-G-A.
Other names: c.4543G>A, p.Glu1515Lys (NM_001354225.2); c.4432G>A, p.Glu1478Lys (NM_001354228.2, NM_001354258.2); c.4510G>A, p.Glu1504Lys (NM_001354230.2); c.4573G>A, p.Glu1525Lys (NM_001354231.2, NM_001354242.2); c.4567G>A, p.Glu1523Lys (NM_001354232.2); c.4528G>A, p.Glu1510Lys (NM_001354235.2, NM_001354246.2, NM_001354265.2); c.4429G>A, p.Glu1477Lys (NM_001354236.2); c.4609G>A, p.Glu1537Lys (NM_001354237.2); and 35 more; short protein forms E1433K, E1436K, E1438K, E1456K, E1468K, E1494K, E1502K, E1526K.
Identifiers: ClinVar variation 3688844 (VCV003688844.2).